The following is an entry in ClinVar:

ClinVar aggregate classification (germline): Uncertain significance (1 of 4 stars; one submission).

gnomAD v4.1: 1 of 1,518,996 alleles (0.000066%); no homozygotes.

Submission:

Ambry Genetics
Classification: Uncertain significance. Last evaluated: 2025-07-28. Review status: criteria provided, single submitter. Criteria: Ambry Variant Classification Scheme 2023. Collection method: clinical testing. Allele origin: germline.
Comment: The p.D1811G variant (also known as c.5432A>G), located in coding exon 22 of the WNK2 gene, results from an A to G substitution at nucleotide position 5432. The aspartic acid at codon 1811 is replaced by glycine, an amino acid with similar properties. This amino acid position is conserved. In addition, the in silico prediction for this alteration is inconclusive. Based on the available evidence, the clinical significance of this variant remains unclear.

NM_006648.4(WNK2):c.5432A>G (p.Asp1811Gly)

Gene: WNK2 (WNK lysine deficient protein kinase 2; plus strand). Cytogenetic location: 9q22.31.
Variant type: single nucleotide variant.
Coding change: c.5432A>G on transcript NM_006648.4 (MANE Select); coding-DNA position 5432, A replaced by G.
Protein change: p.Asp1811Gly; replaces aspartic acid 1811 with glycine.
Molecular consequence: missense variant.
Genome position (GRCh38, 1-based): chr9:93,292,897, A>G. VCF-style: chr9-93292897-A-G. GRCh37 (hg19) VCF-style: chr9-96055179-A-G.
Other names: c.5543A>G, p.Asp1848Gly (NM_001282394.3); short protein forms D1811G, D1848G.
Identifiers: ClinVar variation 4201674 (VCV004201674.1).
Genomic context (GRCh38, chr9:93,292,897, plus strand): 5'-CGCAGACGGCCTCCTCCATCGAGGTCGGCGTGGGCGAGCCCGTGTCCAGCGACTCTGGGG[A>G]CGAGGGCCCTCGGGCGAGACCCCCGGTGCAGAAGCAGGCGTCCCTGCCCGTGAGTGGCAG-3'
Protein context (NP_006639.3, residues 1801-1821): VGEPVSSDSG[Asp1811Gly]EGPRARPPVQ